The following is an entry in ClinVar:

ClinVar aggregate classification (germline): Uncertain significance. Review status: criteria provided, multiple submitters, no conflicts (2 of 4 stars). 2 submissions from 2 submitters: Uncertain significance (2). Last evaluated 2023-08-04.

Conditions:
Primary ciliary dyskinesia. Also called: Ciliary dyskinesia. Identifiers: Orphanet 244, MedGen C0008780, MONDO:0016575, HP:0012265.

Allele frequency attached by ClinVar (database versions not stated): gnomAD exomes below 0.00001; gnomAD 0.00001; TOPMed 0.00002.
gnomAD v4.1: 6 of 1,614,120 alleles (0.00037%); highest among the groups gnomAD compares: Admixed American, 0.0033%; no homozygotes.

Submissions (2):

Labcorp Genetics (formerly Invitae), Labcorp
Classification: Uncertain significance for Primary ciliary dyskinesia. Last evaluated: 2023-08-04. Review status: criteria provided, single submitter. Criteria: Invitae Variant Classification Sherloc (09022015). Collection method: clinical testing. Allele origin: germline.
Comment: This sequence change replaces methionine, which is neutral and non-polar, with isoleucine, which is neutral and non-polar, at codon 908 of the CCDC40 protein (p.Met908Ile). This variant is not present in population databases (gnomAD no frequency). This variant has not been reported in the literature in individuals affected with CCDC40-related conditions. ClinVar contains an entry for this variant (Variation ID: 840058). Advanced modeling of protein sequence and biophysical properties (such as structural, functional, and spatial information, amino acid conservation, physicochemical variation, residue mobility, and thermodynamic stability) performed at Invitae indicates that this missense variant is expected to disrupt CCDC40 protein function. In summary, the available evidence is currently insufficient to determine the role of this variant in disease. Therefore, it has been classified as a Variant of Uncertain Significance.

Ambry Genetics
Classification: Uncertain significance for Primary ciliary dyskinesia. Last evaluated: 2022-07-05. Review status: criteria provided, single submitter. Criteria: Ambry Variant Classification Scheme 2023. Collection method: clinical testing. Allele origin: germline.
Comment: The p.M908I variant (also known as c.2724G>A), located in coding exon 17 of the CCDC40 gene, results from a G to A substitution at nucleotide position 2724. The methionine at codon 908 is replaced by isoleucine, an amino acid with highly similar properties. This amino acid position is conserved. In addition, this alteration is predicted to be tolerated by in silico analysis. Since supporting evidence is limited at this time, the clinical significance of this alteration remains unclear.

NM_017950.4(CCDC40):c.2724G>A (p.Met908Ile)

Gene: CCDC40 (coiled-coil domain 40 molecular ruler complex subunit; plus strand). Cytogenetic location: 17q25.3.
Variant type: single nucleotide variant.
Coding change: c.2724G>A on transcript NM_017950.4 (MANE Select); coding-DNA position 2724, G replaced by A.
Protein change: p.Met908Ile; replaces methionine 908 with isoleucine.
Molecular consequence: missense variant.
Genome position (GRCh38, 1-based): chr17:80,089,776, G>A. VCF-style: chr17-80089776-G-A. GRCh37 (hg19) VCF-style: chr17-78063575-G-A.
Other names: c.2724G>A, p.Met908Ile (NM_001243342.2); short protein forms M908I.
Identifiers: ClinVar variation 840058 (VCV000840058.12), dbSNP rs1211135006, ClinGen allele CA401350816.